The following is an entry in ClinVar:

NM_001966.4(EHHADH):c.910G>A (p.Gly304Ser)

Gene: EHHADH (enoyl-CoA hydratase and 3-hydroxyacyl CoA dehydrogenase; minus strand). Cytogenetic location: 3q27.2.
Variant type: single nucleotide variant.
Coding change: c.910G>A on transcript NM_001966.4 (MANE Select); coding-DNA position 910, G replaced by A.
Protein change: p.Gly304Ser; replaces glycine 304 with serine.
Molecular consequence: missense variant.
Genome position (GRCh38, 1-based): chr3:185,204,416, C>T on the plus strand (G>A on the coding strand, the complement: EHHADH is on the minus strand). VCF-style: chr3-185204416-C-T. GRCh37 (hg19) VCF-style: chr3-184922204-C-T.
Other names: NC_000003.11:g.184922204C>T; c.622G>A, p.Gly208Ser (NM_001166415.2); c.910G>A (NM_001966.3); short protein forms G208S, G304S.
Identifiers: ClinVar variation 4524882 (VCV004524882.2).

ClinVar aggregate classification (germline): Likely benign (1 of 4 stars; one submission).

Conditions:
EHHADH-related disorder. Also called: EHHADH-related condition.

gnomAD v4.1: 11 of 1,597,008 alleles (0.00069%); highest among the groups gnomAD compares: East Asian, 0.025%; no homozygotes.

Submissions (2):

PreventionGenetics, part of Exact Sciences
Classification: Likely benign for EHHADH-related condition. Last evaluated: 2024-10-30. Review status: criteria provided, single submitter. Criteria: ACMG Guidelines, 2015. Collection method: clinical testing. Allele origin: germline.
Comment: This variant is classified as likely benign based on ACMG/AMP sequence variant interpretation guidelines (Richards et al. 2015 PMID: 25741868, with internal and published modifications).

Dr. Peter K. Rogan Lab, Western University
No classification provided (evidence only). Condition: Hepatocellular carcinoma. Review status: no classification provided. Collection method: in vitro. Allele origin: not applicable. Functional consequence: retained intron. Not counted in ClinVar's aggregate classification.